The following is an entry in ClinVar:

ClinVar aggregate classification (germline): Likely pathogenic (1 of 4 stars; one submission).

Conditions:
Cornelia de Lange syndrome 5 (CDLS5). Also called: HDAC8-Related Cornelia de Lange Syndrome. Identifiers: Orphanet 199, MedGen C3550903, MONDO:0010471, OMIM 300882.

Submission:

Labcorp Genetics (formerly Invitae), Labcorp
Classification: Likely pathogenic for Cornelia de Lange syndrome 5. Last evaluated: 2017-09-24. Review status: criteria provided, single submitter. Criteria: Invitae Variant Classification Sherloc (09022015). Collection method: clinical testing. Allele origin: germline.
Comment: Loss-of-function variants in HDAC8 are known to be pathogenic (PMID: 22885700, 24403048). Sub-genic duplications are generally in tandem (PMID: 25640679), and result in an absent or disrupted protein. This variant has not been reported in the literature in individuals with HDAC8-related disease. However, a smaller duplication encompassing exons 6-9 of the HDAC8 gene has been reported in an individual with Cornelia de Lange syndrome-like features (PMID: 24403048). This variant is a gross duplication of the genomic region encompassing exons 5-9 of the HDAC8 gene. In summary, the currently available evidence indicates that the variant is pathogenic, but additional data are needed to prove that conclusively. Therefore, this variant has been classified as Likely Pathogenic.

Literature cited by the submitters: PubMed 22885700; PubMed 24403048; PubMed 25640679.

NC_000023.10:g.(?_71681834)_(71715138_?)dup

Gene: HDAC8 (histone deacetylase 8; minus strand). Cytogenetic location: Xq13.1.
Variant type: Duplication.
Identifiers: ClinVar variation 540333 (VCV000540333.7).